The following is an entry in ClinVar:

ClinVar aggregate classification (germline): Uncertain significance (1 of 4 stars; one submission).

Conditions:
Early-infantile DEE. Also called: Ohtahara syndrome; Early infantile epileptic encephalopathy; Early infantile epileptic encephalopathy with suppression bursts. Identifiers: Orphanet 1934, MedGen C0393706, MONDO:0800491.

Submission:

Labcorp Genetics (formerly Invitae), Labcorp
Classification: Uncertain significance for Early-infantile DEE. Last evaluated: 2024-05-15. Review status: criteria provided, single submitter. Criteria: Invitae Variant Classification Sherloc (09022015). Collection method: clinical testing. Allele origin: germline.
Comment: This sequence change falls in intron 20 of the SCN1A gene. It does not directly change the encoded amino acid sequence of the SCN1A protein. However, this sequence change falls within a region encompassing a cryptic exon in the SCN1A gene, in which variants have been shown to alter splicing (PMID: 30526861, 34107977). The frequency data for this variant in the population databases is considered unreliable, as metrics indicate poor data quality at this position in the gnomAD database. This variant has not been reported in the literature in individuals affected with SCN1A-related conditions. Algorithms developed to predict the effect of sequence changes on RNA splicing suggest that this variant is not likely to affect RNA splicing. In summary, the available evidence is currently insufficient to determine the role of this variant in disease. Therefore, it has been classified as a Variant of Uncertain Significance.

Literature cited by the submitters: PubMed 30526861; PubMed 34107977.

NM_001165963.4(SCN1A):c.4002+2545T>C

Genes: SCN1A (sodium voltage-gated channel alpha subunit 1; minus strand), LOC102724058 (uncharacterized LOC102724058; plus strand). Cytogenetic location: 2q24.3.
Variant type: single nucleotide variant.
Coding change: c.4002+2545T>C on transcript NM_001165963.4 (MANE Select); 2545 bases into the intron after coding-DNA position 4002, T replaced by C.
Molecular consequence: intron variant.
Genome position (GRCh38, 1-based): chr2:166,007,174, A>G on the plus strand (T>C on the coding strand, the complement: SCN1A is on the minus strand). VCF-style: chr2-166007174-A-G. GRCh37 (hg19) VCF-style: chr2-166863684-A-G.
Other names: c.3969+2545T>C (NM_001353949.2, NM_001353950.2, NM_001353951.2 and 2 more transcripts); c.3918+2545T>C (NM_001353958.2, NM_001353957.2, NM_001165964.3); c.4002+2545T>C (NM_001202435.3, NM_001353948.2); c.3966+2545T>C (NM_001353955.2, NM_001353954.2); c.3915+2545T>C (NM_001353960.2); c.1560+2545T>C (NM_001353961.2).
Identifiers: ClinVar variation 2869273 (VCV002869273.3), dbSNP rs1443806016, ClinGen allele CA537134243.